The following is an entry in ClinVar:

ClinVar aggregate classification (germline): Uncertain significance (1 of 4 stars; one submission).

Conditions:
Cohen syndrome (COH1). Also called: PEPPER SYNDROME; Cutis verticis gyrata, retinitis pigmentosa, and sensorineural deafness. Identifiers: Orphanet 193, MedGen C0265223, MONDO:0008999, OMIM 216550.

Allele frequency attached by ClinVar (database versions not stated): gnomAD exomes below 0.00001.
gnomAD v4.1: 1 of 1,594,980 alleles (0.000063%); highest among the groups gnomAD compares: Non-Finnish European, 0.000085%; no homozygotes.

Submission:

Labcorp Genetics (formerly Invitae), Labcorp
Classification: Uncertain significance for Cohen syndrome. Last evaluated: 2022-05-19. Review status: criteria provided, single submitter. Criteria: Invitae Variant Classification Sherloc (09022015). Collection method: clinical testing. Allele origin: germline.
Comment: Algorithms developed to predict the effect of missense changes on protein structure and function are either unavailable or do not agree on the potential impact of this missense change (SIFT: "Not Available"; PolyPhen-2: "Benign"; Align-GVGD: "Not Available"). In summary, the available evidence is currently insufficient to determine the role of this variant in disease. Therefore, it has been classified as a Variant of Uncertain Significance. This sequence change replaces threonine, which is neutral and polar, with serine, which is neutral and polar, at codon 3713 of the VPS13B protein (p.Thr3713Ser). This variant is not present in population databases (gnomAD no frequency). This variant has not been reported in the literature in individuals affected with VPS13B-related conditions.

NM_152564.5(VPS13B):c.11062A>T (p.Thr3688Ser)

Gene: VPS13B (vacuolar protein sorting 13 homolog B; plus strand). Cytogenetic location: 8q22.2.
Variant type: single nucleotide variant.
Coding change: c.11062A>T on transcript NM_152564.5 (MANE Select); coding-DNA position 11062, A replaced by T.
Protein change: p.Thr3688Ser; replaces threonine 3688 with serine.
Molecular consequence: missense variant.
Genome position (GRCh38, 1-based): chr8:99,861,793, A>T. VCF-style: chr8-99861793-A-T. GRCh37 (hg19) VCF-style: chr8-100874021-A-T.
Other names: c.11137A>T, p.Thr3713Ser (NM_017890.5); short protein forms T3688S, T3713S.
Identifiers: ClinVar variation 1461863 (VCV001461863.8), dbSNP rs1588797596, ClinGen allele CA371790240.
Genomic context (GRCh38, chr8:99,861,793, plus strand): 5'-TGTATGCGACAAGGAGGCTAACCCCATGCTCTTGTTCCCTCAGGTACCCTCACATCCATC[A>T]CCAACCTCGCCACAAGCCTGGCCCGGAACATGGACCGGCTCTCACTGGATGAGGAGCACT-3'
Protein context (NP_689777.3, residues 3678-3698): HISKGTLTSI[Thr3688Ser]NLATSLARNM